The following is an entry in ClinVar:

NM_000283.4(PDE6B):c.1262T>C (p.Leu421Pro)

Gene: PDE6B (phosphodiesterase 6B; plus strand). Cytogenetic location: 4p16.3.
Variant type: single nucleotide variant.
Coding change: c.1262T>C on transcript NM_000283.4 (MANE Select); coding-DNA position 1262, T replaced by C.
Protein change: p.Leu421Pro; replaces leucine 421 with proline.
Molecular consequence: missense variant.
Genome position (GRCh38, 1-based): chr4:657,355, T>C. VCF-style: chr4-657355-T-C. GRCh37 (hg19) VCF-style: chr4-651144-T-C.
Other names: c.1262T>C, p.Leu421Pro (NM_001145291.2); c.425T>C, p.Leu142Pro (NM_001145292.2, NM_001350154.3, NM_001379246.1 and 1 more transcripts); c.107T>C, p.Leu36Pro (NM_001350155.3); short protein forms L142P, L421P, L36P.
Identifiers: ClinVar variation 2003846 (VCV002003846.4), dbSNP rs2474217722, ClinGen allele CA355913708.

ClinVar aggregate classification (germline): Uncertain significance (1 of 4 stars; one submission).

Submission:

Labcorp Genetics (formerly Invitae), Labcorp
Classification: Uncertain significance. Last evaluated: 2022-06-05. Review status: criteria provided, single submitter. Criteria: Invitae Variant Classification Sherloc (09022015). Collection method: clinical testing. Allele origin: germline.
Comment: This variant is not present in population databases (gnomAD no frequency). This sequence change replaces leucine, which is neutral and non-polar, with proline, which is neutral and non-polar, at codon 421 of the PDE6B protein (p.Leu421Pro). This variant has not been reported in the literature in individuals affected with PDE6B-related conditions. In summary, the available evidence is currently insufficient to determine the role of this variant in disease. Therefore, it has been classified as a Variant of Uncertain Significance. Algorithms developed to predict the effect of missense changes on protein structure and function are either unavailable or do not agree on the potential impact of this missense change (SIFT: "Deleterious"; PolyPhen-2: "Probably Damaging"; Align-GVGD: "Class C0").